The following is an entry in ClinVar:

NM_000051.4(ATM):c.6295del (p.His2099fs)

Genes: ATM (ATM serine/threonine kinase; plus strand), C11orf65 (chromosome 11 open reading frame 65; minus strand). Cytogenetic location: 11q22.3.
Variant type: Deletion.
Coding change: c.6295del on transcript NM_000051.4 (MANE Select); coding-DNA position 6295, one base deleted (C; older notation c.6295delC).
Protein change: p.His2099fs; shifts the reading frame from histidine 2099.
Molecular consequence: frameshift variant. On other transcripts: intron variant (2).
Genome position (GRCh38, 1-based): chr11:108,317,469, C deleted. VCF-style (leftmost placement, unchanged base first): chr11-108317468-TC-T. GRCh37 (hg19) VCF-style: chr11-108188195-TC-T.
Other names: c.6295del, p.His2099fs (NM_001351834.2); c.641-8398del (NM_001330368.2); c.*39-8398del (NM_001351110.2); short protein forms H2099fs.
Identifiers: ClinVar variation 1068838 (VCV001068838.7), dbSNP rs2136167830, ClinGen allele CA2499220679.

ClinVar aggregate classification (germline): Pathogenic (1 of 4 stars; one submission).

Conditions:
Ataxia-telangiectasia syndrome (AT). Also called: Ataxia telangiectasia (A-T); ATAXIA-TELANGIECTASIA, COMPLEMENTATION GROUP A; ATAXIA-TELANGIECTASIA, FRESNO VARIANT; Ataxia-telangiectasia; Ataxia-telangiectasia, complementation group E; LOUIS-BAR SYNDROME. Identifiers: Orphanet 100, MedGen C0004135, MONDO:0008840, OMIM 208900.

Submission:

Labcorp Genetics (formerly Invitae), Labcorp
Classification: Pathogenic for Ataxia-telangiectasia syndrome. Last evaluated: 2020-05-04. Review status: criteria provided, single submitter. Criteria: Invitae Variant Classification Sherloc (09022015). Collection method: clinical testing. Allele origin: germline.
Comment: This sequence change creates a premature translational stop signal (p.His2099Ilefs*21) in the ATM gene. It is expected to result in an absent or disrupted protein product. For these reasons, this variant has been classified as Pathogenic. Loss-of-function variants in ATM are known to be pathogenic (PMID: 23807571, 25614872). This variant has not been reported in the literature in individuals with ATM-related conditions. This variant is not present in population databases (ExAC no frequency).

Literature cited by the submitters: PubMed 23807571; PubMed 25614872.